The following is an entry in ClinVar:

ClinVar aggregate classification (germline): Likely pathogenic (1 of 4 stars; one submission).

Allele frequency attached by ClinVar (database versions not stated): TOPMed below 0.00001.

Submission:

Labcorp Genetics (formerly Invitae), Labcorp
Classification: Likely pathogenic. Last evaluated: 2024-04-04. Review status: criteria provided, single submitter. Criteria: Invitae Variant Classification Sherloc (09022015). Collection method: clinical testing. Allele origin: germline.
Comment: This sequence change affects a donor splice site in intron 1 of the HPS3 gene. It is expected to disrupt RNA splicing. Variants that disrupt the donor or acceptor splice site typically lead to a loss of protein function (PMID: 16199547), and loss-of-function variants in HPS3 are known to be pathogenic (PMID: 11590544). This variant is not present in population databases (gnomAD no frequency). This variant has not been reported in the literature in individuals affected with HPS3-related conditions. ClinVar contains an entry for this variant (Variation ID: 1523884). Algorithms developed to predict the effect of sequence changes on RNA splicing suggest that this variant may disrupt the consensus splice site. In summary, the currently available evidence indicates that the variant is pathogenic, but additional data are needed to prove that conclusively. Therefore, this variant has been classified as Likely Pathogenic.

Literature cited by the submitters: PubMed 16199547; PubMed 11590544.

NM_032383.5(HPS3):c.217+2T>G

Gene: HPS3 (HPS3 biogenesis of lysosomal organelles complex 2 subunit 1; plus strand). Cytogenetic location: 3q24.
Variant type: single nucleotide variant.
Coding change: c.217+2T>G on transcript NM_032383.5 (MANE Select); the canonical splice donor site of the intron after coding-DNA position 217, T replaced by G.
Molecular consequence: splice donor variant.
Genome position (GRCh38, 1-based): chr3:149,129,942, T>G. VCF-style: chr3-149129942-T-G. GRCh37 (hg19) VCF-style: chr3-148847729-T-G.
Other names: c.217+2T>G (NM_001308258.2).
Identifiers: ClinVar variation 1523884 (VCV001523884.11), dbSNP rs1286892626, ClinGen allele CA354906794.